The following is an entry in ClinVar:

NM_001061.7(TBXAS1):c.302T>G (p.Val101Gly)

Gene: TBXAS1 (thromboxane A synthase 1; plus strand). Cytogenetic location: 7q34.
Variant type: single nucleotide variant.
Coding change: c.302T>G on transcript NM_001061.7 (MANE Select); coding-DNA position 302, T replaced by G.
Protein change: p.Val101Gly; replaces valine 101 with glycine.
Molecular consequence: missense variant. On other transcripts: intron variant (1).
Genome position (GRCh38, 1-based): chr7:139,911,290, T>G. VCF-style: chr7-139911290-T-G. GRCh37 (hg19) VCF-style: chr7-139611089-T-G.
Other names: c.302T>G, p.Val101Gly (NM_001130966.5, NM_001166253.4, NM_001366538.2 and 1 more transcripts); c.101T>G, p.Val34Gly (NM_001166254.4); c.245T>G, p.Val82Gly (NM_001314028.4); c.151-24901T>G (NM_001366537.3); short protein forms V101G, V102G, V34G, V82G.
Identifiers: ClinVar variation 1713984 (VCV001713984.5), dbSNP rs370871916, ClinGen allele CA369583463.
Genomic context (GRCh38, chr7:139,911,290, plus strand): 5'-ATCTTGGTCGTCGGATGTTTATTGTTATTTCTGAGCCAGACATGATCAAGCAGGTGTTGG[T>G]TGAGAACTTCAGTAACTTTACCAACAGAATGGTACGTAGTTTTCTTTCCGCATATAGATG-3'
Protein context (NP_001052.3, residues 91-111): SEPDMIKQVL[Val101Gly]ENFSNFTNRM

ClinVar aggregate classification (germline): Uncertain significance (1 of 4 stars; one submission).

Submission:

Labcorp Genetics (formerly Invitae), Labcorp
Classification: Uncertain significance. Last evaluated: 2022-07-15. Review status: criteria provided, single submitter. Criteria: Invitae Variant Classification Sherloc (09022015). Collection method: clinical testing. Allele origin: germline.
Comment: In summary, the available evidence is currently insufficient to determine the role of this variant in disease. Therefore, it has been classified as a Variant of Uncertain Significance. Algorithms developed to predict the effect of missense changes on protein structure and function are either unavailable or do not agree on the potential impact of this missense change (SIFT: "Deleterious"; PolyPhen-2: "Possibly Damaging"; Align-GVGD: "Class C15"). This variant has not been reported in the literature in individuals affected with TBXAS1-related conditions. This sequence change replaces valine, which is neutral and non-polar, with glycine, which is neutral and non-polar, at codon 102 of the TBXAS1 protein (p.Val102Gly). This variant is not present in population databases (gnomAD no frequency).